The following is an entry in ClinVar:

ClinVar aggregate classification (germline): Uncertain significance (1 of 4 stars; one submission).

Conditions:
Hereditary cancer-predisposing syndrome. Also called: Tumor predisposition; Neoplastic Syndromes, Hereditary; Hereditary neoplastic syndrome; Hereditary Cancer Syndrome. Identifiers: Orphanet 140162, MedGen C0027672, MeSH D009386, MONDO:0015356.

Submission:

Ambry Genetics
Classification: Uncertain significance for Hereditary cancer-predisposing syndrome. Last evaluated: 2024-11-23. Review status: criteria provided, single submitter. Criteria: Ambry Variant Classification Scheme 2023. Collection method: clinical testing. Allele origin: germline.
Comment: The p.K109R variant (also known as c.326A>G), located in coding exon 3 of the XRCC2 gene, results from an A to G substitution at nucleotide position 326. The lysine at codon 109 is replaced by arginine, an amino acid with highly similar properties. This amino acid position is conserved. In addition, this alteration is predicted to be tolerated by in silico analysis. Based on the available evidence, the clinical significance of this variant remains unclear.

NM_005431.2(XRCC2):c.326A>G (p.Lys109Arg)

Gene: XRCC2 (X-ray repair cross complementing 2; minus strand). Cytogenetic location: 7q36.1.
Variant type: single nucleotide variant.
Coding change: c.326A>G on transcript NM_005431.2 (MANE Select); coding-DNA position 326, A replaced by G.
Protein change: p.Lys109Arg; replaces lysine 109 with arginine.
Molecular consequence: missense variant.
Genome position (GRCh38, 1-based): chr7:152,649,159, T>C on the plus strand (A>G on the coding strand, the complement: XRCC2 is on the minus strand). VCF-style: chr7-152649159-T-C. GRCh37 (hg19) VCF-style: chr7-152346244-T-C.
Other names: short protein forms K109R.
Identifiers: ClinVar variation 3471481 (VCV003471481.1).
Genomic context (GRCh38, chr7:152,649,159, plus strand): 5'-GTAAGAAGTAAGTGGGTGCTACTACTGCAGTACACCAAAAAAAATCTTCCCAGGCAGTAT[T>C]TGATTATTTCTTCAGAGCTTTGGGATAGTCTGTGCTCAAGAATTGTAACTAGCCGGAGCA-3'
Protein context (NP_005422.1, residues 99-119): RLSQSSEEII[Lys109Arg]YCLGRFFLVY